The following is an entry in ClinVar:

NM_001382567.1(STIM1):c.252T>A (p.Asp84Glu)

Gene: STIM1 (stromal interaction molecule 1; plus strand). Cytogenetic location: 11p15.4.
Variant type: single nucleotide variant.
Coding change: c.252T>A on transcript NM_001382567.1 (MANE Select); coding-DNA position 252, T replaced by A.
Protein change: p.Asp84Glu; replaces aspartic acid 84 with glutamic acid.
Molecular consequence: missense variant. On other transcripts: non-coding transcript variant (3), intron variant (4).
Genome position (GRCh38, 1-based): chr11:3,967,664, T>A. VCF-style: chr11-3967664-T-A. GRCh37 (hg19) VCF-style: chr11-3988894-T-A.
Other names: NR_168438.1:n.859T>A; c.252T>A, p.Asp84Glu (NM_001277961.3, NM_001277962.2, NM_001382568.1 and 3 more transcripts); c.30T>A, p.Asp10Glu (NM_001382566.1, NM_001382573.1, NM_001382574.1 and 5 more transcripts); c.-219-56209T>A (NM_001382580.1, NM_001382581.1); c.136-56209T>A (NM_001382569.1); c.-98-56209T>A (NM_001382571.1); short protein forms D10E, D84E.
Identifiers: ClinVar variation 3236678 (VCV003236678.1), dbSNP rs2093352256, ClinGen allele CA379485088.

ClinVar aggregate classification (germline): Likely pathogenic (1 of 4 stars; one submission).

Conditions:
Myopathy, tubular aggregate, 1 (TAM1). Identifiers: MedGen C4011726, MONDO:0024531, OMIM 160565.

Submission:

Broad Center for Mendelian Genomics, Broad Institute of MIT and Harvard
Classification: Likely pathogenic for Myopathy, tubular aggregate, 1. Last evaluated: 2024-05-22. Review status: criteria provided, single submitter. Criteria: ACMG Guidelines, 2015. Collection method: curation. Allele origin: germline. Inheritance: Autosomal dominant inheritance.
Comment: This variant has been reported in 2 individuals with tubular aggregate myopathy (PMIDs: 34368974, 27876257), and was absent from large population studies. This variant was found to be de novo in one individual without confirmed paternity and maternity (PMID: 34368974). The number of reported affected individuals with this variant is slightly greater than expected compared to non-affected individuals with this variant. In vitro functional studies provide some evidence that the p.Asp84Glu variant may impact protein function (PMID: 27876257). However, these types of assays may not accurately represent biological function. Computational prediction tools and conservation analyses do not provide strong support for or against an impact to the protein. One additional pathogenic variant, resulting in a different amino acid change at the same position, (p.Asp84Gly), has been reported in association with disease in ClinVar, supporting that a change at this position may not be tolerated (Variation ID: 41481). In summary, although additional studies are required to fully establish its clinical significance, this variant is likely pathogenic for autosomal dominant myopathy, tubular aggregate, 1. ACMG/AMP Criteria applied: PS4_Supporting, PM2_Supporting, PS3_Moderate, PM5 (Richards 2015).

Literature cited by the submitters: PubMed 27876257.